The following is an entry in ClinVar:

ClinVar aggregate classification (germline): Uncertain significance (1 of 4 stars; one submission).

Conditions:
Inborn genetic diseases. Identifiers: MedGen C0950123, MeSH D030342.

Submission:

Ambry Genetics
Classification: Uncertain significance for Inborn genetic diseases. Last evaluated: 2025-12-20. Review status: criteria provided, single submitter. Criteria: Ambry Variant Classification Scheme 2023. Collection method: clinical testing. Allele origin: germline.
Comment: The p.S49N variant (also known as c.146G>A), located in coding exon 2 of the BMPR2 gene, results from a G to A substitution at nucleotide position 146. The serine at codon 49 is replaced by asparagine, an amino acid with highly similar properties. This amino acid position is conserved. In addition, the in silico prediction for this alteration is inconclusive. Based on the available evidence, the clinical significance of this variant remains unclear.

NM_001204.7(BMPR2):c.146G>A (p.Ser49Asn)

Gene: BMPR2 (bone morphogenetic protein receptor type 2; plus strand). Cytogenetic location: 2q33.1.
Variant type: single nucleotide variant.
Coding change: c.146G>A on transcript NM_001204.7 (MANE Select); coding-DNA position 146, G replaced by A.
Protein change: p.Ser49Asn; replaces serine 49 with asparagine.
Molecular consequence: missense variant.
Genome position (GRCh38, 1-based): chr2:202,464,878, G>A. VCF-style: chr2-202464878-G-A. GRCh37 (hg19) VCF-style: chr2-203329601-G-A.
Other names: short protein forms S49N.
Identifiers: ClinVar variation 4843352 (VCV004843352.1).